The following is an entry in ClinVar:

NM_021831.6(AGBL5):c.1120G>A (p.Glu374Lys)

Gene: AGBL5 (AGBL carboxypeptidase 5; plus strand). Cytogenetic location: 2p23.3.
Variant type: single nucleotide variant.
Coding change: c.1120G>A on transcript NM_021831.6 (MANE Select); coding-DNA position 1120, G replaced by A.
Protein change: p.Glu374Lys; replaces glutamic acid 374 with lysine.
Molecular consequence: missense variant. On other transcripts: non-coding transcript variant (2).
Genome position (GRCh38, 1-based): chr2:27,055,893, G>A. VCF-style: chr2-27055893-G-A. GRCh37 (hg19) VCF-style: chr2-27278761-G-A.
Other names: c.1120G>A, p.Glu374Lys (NM_001035507.3); short protein forms E374K.
Identifiers: ClinVar variation 959591 (VCV000959591.7), dbSNP rs1668403289, ClinGen allele CA346179275.

ClinVar aggregate classification (germline): Uncertain significance (1 of 4 stars; one submission).

Allele frequency attached by ClinVar (database versions not stated): gnomAD exomes below 0.00001; TOPMed below 0.00001.

Submission:

Labcorp Genetics (formerly Invitae), Labcorp
Classification: Uncertain significance. Last evaluated: 2020-02-29. Review status: criteria provided, single submitter. Criteria: Invitae Variant Classification Sherloc (09022015). Collection method: clinical testing. Allele origin: germline.
Comment: In summary, the available evidence is currently insufficient to determine the role of this variant in disease. Therefore, it has been classified as a Variant of Uncertain Significance. Algorithms developed to predict the effect of missense changes on protein structure and function (SIFT, PolyPhen-2, Align-GVGD) all suggest that this variant is likely to be tolerated, but these predictions have not been confirmed by published functional studies and their clinical significance is uncertain. This variant has not been reported in the literature in individuals with AGBL5-related conditions. This variant is not present in population databases (ExAC no frequency). This sequence change replaces glutamic acid with lysine at codon 374 of the AGBL5 protein (p.Glu374Lys). The glutamic acid residue is moderately conserved and there is a small physicochemical difference between glutamic acid and lysine.